The following is an entry in ClinVar:

NM_001042492.3(NF1):c.7873A>G (p.Thr2625Ala)

Gene: NF1 (neurofibromin 1; plus strand). Cytogenetic location: 17q11.2.
Variant type: single nucleotide variant.
Coding change: c.7873A>G on transcript NM_001042492.3 (MANE Select); coding-DNA position 7873, A replaced by G.
Protein change: p.Thr2625Ala; replaces threonine 2625 with alanine.
Molecular consequence: missense variant.
Genome position (GRCh38, 1-based): chr17:31,357,272, A>G. VCF-style: chr17-31357272-A-G. GRCh37 (hg19) VCF-style: chr17-29684290-A-G.
Other names: c.7810A>G, p.Thr2604Ala (NM_000267.4); short protein forms T2604A, T2625A.
Identifiers: ClinVar variation 998874 (VCV000998874.8), dbSNP rs2070296220, ClinGen allele CA399018765.
Genomic context (GRCh38, chr17:31,357,272, plus strand): 5'-TAACAATTCAGCCACAAAGTAAAAATGTTGTGTGTTTACTTTTTTGCATCTTGGCAGGCT[A>G]CACTGGTAAAATATACCACAGATGAGTTTGATCAACGAATTCTTTATGAATACTTAGCAG-3'
Protein context (NP_001035957.1, residues 2615-2635): IQALLLTVLA[Thr2625Ala]LVKYTTDEFD

ClinVar aggregate classification (germline): Uncertain significance. Review status: criteria provided, multiple submitters, no conflicts (2 of 4 stars). 3 submissions from 3 submitters: Uncertain significance (3). Last evaluated 2026-03-28.

Conditions:
Hereditary cancer-predisposing syndrome. Also called: Neoplastic Syndromes, Hereditary; Hereditary neoplastic syndrome; Hereditary Cancer Syndrome; Tumor predisposition. Identifiers: Orphanet 140162, MedGen C0027672, MeSH D009386, MONDO:0015356.
Cardiovascular phenotype. Identifiers: MedGen CN230736.
Neurofibromatosis, type 1 (NF1). Also called: Neurofibromatosis, type I; VON RECKLINGHAUSEN DISEASE; NEUROFIBROMATOSIS, TYPE I, SOMATIC; Peripheral type neurofibromatosis. Identifiers: Orphanet 636, MedGen C0027831, MONDO:0018975, OMIM 162200. Disease mechanism: loss of function.

Submissions (3):

Women's Health and Genetics/Laboratory Corporation of America, LabCorp
Classification: Uncertain significance. Last evaluated: 2026-03-28. Review status: criteria provided, single submitter. Criteria: LabCorp Variant Classification Summary - May 2015. Collection method: clinical testing. Allele origin: germline.

Labcorp Genetics (formerly Invitae), Labcorp
Classification: Uncertain significance for Neurofibromatosis, type 1. Last evaluated: 2025-10-31. Review status: criteria provided, single submitter. Criteria: Invitae Variant Classification Sherloc (09022015). Collection method: clinical testing. Allele origin: germline.
Comment: This sequence change replaces threonine, which is neutral and polar, with alanine, which is neutral and non-polar, at codon 2604 of the NF1 protein (p.Thr2604Ala). This variant is not present in population databases (gnomAD no frequency). This variant has not been reported in the literature in individuals affected with NF1-related conditions. ClinVar contains an entry for this variant (Variation ID: 998874). Invitae Evidence Modeling of protein sequence and biophysical properties (such as structural, functional, and spatial information, amino acid conservation, physicochemical variation, residue mobility, and thermodynamic stability) indicates that this missense variant is expected to disrupt NF1 protein function with a positive predictive value of 95%. In summary, the available evidence is currently insufficient to determine the role of this variant in disease. Therefore, it has been classified as a Variant of Uncertain Significance.

Ambry Genetics
Classification: Uncertain significance for Cardiovascular phenotype; Hereditary cancer-predisposing syndrome. Last evaluated: 2020-07-31. Review status: criteria provided, single submitter. Criteria: Ambry Variant Classification Scheme 2023. Collection method: clinical testing. Allele origin: germline.
Comment: The p.T2604A variant (also known as c.7810A>G), located in coding exon 53 of the NF1 gene, results from an A to G substitution at nucleotide position 7810. The threonine at codon 2604 is replaced by alanine, an amino acid with similar properties. This amino acid position is highly conserved in available vertebrate species. In addition, the in silico prediction for this alteration is inconclusive. Since supporting evidence is limited at this time, the clinical significance of this alteration remains unclear.